The following is an entry in ClinVar:

ClinVar aggregate classification (germline): Uncertain significance (1 of 4 stars; one submission).

gnomAD v4.1: 5 of 1,613,904 alleles (0.00031%); highest among the groups gnomAD compares: Non-Finnish European, 0.00042%; no homozygotes.

Submission:

GeneDx
Classification: Uncertain significance. Last evaluated: 2016-11-11. Review status: criteria provided, single submitter. Criteria: GeneDx Variant Classification (06012015). Collection method: clinical testing. Allele origin: germline. Affected: yes.
Comment: A variant of uncertain significance has been identified in the CTSD gene. The G257A variant has not been published as a pathogenic variant, nor has it been reported as a benign variant to our knowledge. It was not observed in approximately 6,500 individuals of European and African American ancestry in the NHLBI Exome Sequencing Project, indicating it is not a common benign variant in these populations. The G257A variant is a conservative amino acid substitution, which is not likely to impact secondary protein structure as these residues share similar properties. However, this substitution occurs at a position that is conserved across species, and in silico analysis predicts this variant is probably damaging to the protein structure/function. Therefore, based on the currently available information, it is unclear whether this variant is a pathogenic variant or a rare benign variant.

NM_001909.5(CTSD):c.770G>C (p.Gly257Ala)

Gene: CTSD (cathepsin D; minus strand). Cytogenetic location: 11p15.5.
Variant type: single nucleotide variant.
Coding change: c.770G>C on transcript NM_001909.5 (MANE Select); coding-DNA position 770, G replaced by C.
Protein change: p.Gly257Ala; replaces glycine 257 with alanine.
Molecular consequence: missense variant.
Genome position (GRCh38, 1-based): chr11:1,754,963, C>G on the plus strand (G>C on the coding strand, the complement: CTSD is on the minus strand). VCF-style: chr11-1754963-C-G. GRCh37 (hg19) VCF-style: chr11-1776193-C-G.
Other names: short protein forms G257A.
Identifiers: ClinVar variation 373215 (VCV000373215.1), dbSNP rs1057518289, ClinGen allele CA16042824.